The following is an entry in ClinVar:

NM_000083.3(CLCN1):c.260_261delinsTT (p.Thr87Ile)

Gene: CLCN1 (chloride voltage-gated channel 1; plus strand). Cytogenetic location: 7q34.
Variant type: Indel.
Coding change: c.260_261delinsTT on transcript NM_000083.3 (MANE Select); coding-DNA positions 260 to 261, CC replaced by TT.
Protein change: p.Thr87Ile; replaces threonine 87 with isoleucine.
Molecular consequence: missense variant. On other transcripts: non-coding transcript variant (1).
Genome position (GRCh38, 1-based): chr7:143,319,834-143,319,835, CC replaced by TT. VCF-style: chr7-143319834-CC-TT. GRCh37 (hg19) VCF-style: chr7-143016927-CC-TT.
Other names: short protein forms T87I.
Identifiers: ClinVar variation 422852 (VCV000422852.2), dbSNP rs1064796042, ClinGen allele CA16618361.
Genomic context (GRCh38, chr7:143,319,834, plus strand): 5'-AACAATTCTCAGACAGGGAGCAGGACATAGGGATGCCCAAGAAGACAGGCTCCAGTTCTA[CC>TT]GTGGACAGCAAGGATGAGGATCACTATTCTAAATGTCAAGGTGATGGGGACTGAGGAATA-3'
Protein context (NP_000074.3, residues 77-97): GMPKKTGSSS[Thr87Ile]VDSKDEDHYS

ClinVar aggregate classification (germline): Uncertain significance (1 of 4 stars; one submission).

Submission:

GeneDx
Classification: Uncertain significance. Last evaluated: 2016-12-19. Review status: criteria provided, single submitter. Criteria: GeneDx Variant Classification (06012015). Collection method: clinical testing. Allele origin: germline. Affected: yes.
Comment: A variant of uncertain significance has been identified in the CLCN1 gene. The c.260_261delCCinsTT variant results in an in-frame deletion of a single Threonine residue and the insertion of a single Isoleucine residue at amino acid position 87, denoted p.T87I. The c.260_261delCCinsTT variant has not been published as a pathogenic variant, nor has it been reported as a benign variant to our knowledge. The c.260_261delCCinsTT variant is not observed in large population cohorts (Lek et al., 2016; 1000 Genomes Consortium et al., 2015; Exome Variant Server). This variant is a non-conservative amino acid substitution, which is likely to impact secondary protein structure as these residues differ in polarity, charge, size and/or other properties. However, this substitution occurs at a position that is not conserved, and in silico analysis predicts this variant likely does not alter the protein structure/function. Therefore, based on the currently available information, it is unclear whether this variant is a pathogenic variant or a rare benign variant.